The following is an entry in ClinVar:

ClinVar aggregate classification (germline): Conflicting classifications of pathogenicity. Review status: criteria provided, conflicting classifications (1 of 4 stars). 2 submissions from 2 submitters: Uncertain significance (1); Likely benign (1). Last evaluated 2024-01-25.

Conditions:
Hereditary cancer-predisposing syndrome. Also called: Hereditary Cancer Syndrome; Hereditary neoplastic syndrome; Tumor predisposition; Neoplastic Syndromes, Hereditary. Identifiers: Orphanet 140162, MedGen C0027672, MeSH D009386, MONDO:0015356.
Von Hippel-Lindau syndrome (VHLS). Also called: Von Hippel-Lindau; von Hippel–Lindau syndrome; VHL syndrome. Identifiers: Orphanet 892, MedGen C0019562, MONDO:0008667, OMIM 193300. Disease mechanism: loss of function.
Chuvash polycythemia. Also called: POLYCYTHEMIA, VHL-DEPENDENT. Identifiers: Orphanet 238557, MedGen C1837915, MONDO:0009892, OMIM 263400.

Allele frequency attached by ClinVar (database versions not stated): TOPMed below 0.00001; gnomAD 0.00001.
gnomAD v4.1: 1 of 1,533,652 alleles (0.000065%); highest among the groups gnomAD compares: African/African-American, 0.0014%; no homozygotes.

Submissions (2):

Ambry Genetics
Classification: Likely benign for Hereditary cancer-predisposing syndrome. Last evaluated: 2024-01-25. Review status: criteria provided, single submitter. Criteria: Ambry Variant Classification Scheme 2023. Collection method: clinical testing. Allele origin: germline.

Labcorp Genetics (formerly Invitae), Labcorp
Classification: Uncertain significance for Von Hippel-Lindau syndrome; Chuvash polycythemia. Last evaluated: 2023-11-11. Review status: criteria provided, single submitter. Criteria: Invitae Variant Classification Sherloc (09022015). Collection method: clinical testing. Allele origin: germline.
Comment: This sequence change replaces valine, which is neutral and non-polar, with isoleucine, which is neutral and non-polar, at codon 13 of the VHL protein (p.Val13Ile). This variant is present in population databases (no rsID available, gnomAD 0.01%). This variant has not been reported in the literature in individuals affected with VHL-related conditions. ClinVar contains an entry for this variant (Variation ID: 456586). Advanced modeling of protein sequence and biophysical properties (such as structural, functional, and spatial information, amino acid conservation, physicochemical variation, residue mobility, and thermodynamic stability) performed at Invitae indicates that this missense variant is not expected to disrupt VHL protein function with a negative predictive value of 95%. In summary, the available evidence is currently insufficient to determine the role of this variant in disease. Therefore, it has been classified as a Variant of Uncertain Significance.

NM_000551.4(VHL):c.37G>A (p.Val13Ile)

Gene: VHL (von Hippel-Lindau tumor suppressor; plus strand). Cytogenetic location: 3p25.3.
Variant type: single nucleotide variant.
Coding change: c.37G>A on transcript NM_000551.4 (MANE Select); coding-DNA position 37, G replaced by A.
Protein change: p.Val13Ile; replaces valine 13 with isoleucine.
Molecular consequence: missense variant.
Genome position (GRCh38, 1-based): chr3:10,141,884, G>A. VCF-style: chr3-10141884-G-A. GRCh37 (hg19) VCF-style: chr3-10183568-G-A.
Other names: c.37G>A, p.Val13Ile (NM_001354723.2, NM_198156.3); short protein forms V13I.
Identifiers: ClinVar variation 456586 (VCV000456586.8), dbSNP rs919338576, ClinGen allele CA70042199.